The following is an entry in ClinVar:

NM_000535.7(PMS2):c.1116C>T (p.Val372=)

Gene: PMS2 (PMS1 homolog 2, mismatch repair system component; minus strand). Cytogenetic location: 7p22.1.
Variant type: single nucleotide variant.
Coding change: c.1116C>T on transcript NM_000535.7 (MANE Select); coding-DNA position 1116, C replaced by T.
Protein change: p.Val372=; no amino-acid change (valine 372 retained).
Molecular consequence: synonymous variant. On other transcripts: non-coding transcript variant (1), intron variant (2).
Genome position (GRCh38, 1-based): chr7:5,989,828, G>A on the plus strand (C>T on the coding strand, the complement: PMS2 is on the minus strand). VCF-style: chr7-5989828-G-A. GRCh37 (hg19) VCF-style: chr7-6029459-G-A.
Other names: c.711C>T, p.Val237= (NM_001322003.2, NM_001322004.2, NM_001322005.2 and 1 more transcripts); c.798C>T, p.Val266= (NM_001322007.2, NM_001322008.2); c.183C>T, p.Val61= (NM_001322011.2, NM_001322012.2); c.543C>T, p.Val181= (NM_001322013.2); c.1116C>T, p.Val372= (NM_001322014.2); c.807C>T, p.Val269= (NM_001322015.2); c.583+2145C>T (NM_001322010.2); c.988+2145C>T (NM_001322006.2).
Identifiers: ClinVar variation 232382 (VCV000232382.42), dbSNP rs876659729, ClinGen allele CA10578685.

ClinVar aggregate classification (germline): Conflicting classifications of pathogenicity. Review status: criteria provided, conflicting classifications (1 of 4 stars). 6 submissions from 6 submitters: Uncertain significance (1); Benign (1); Likely benign (4). Last evaluated 2025-02-15.

Conditions:
Hereditary nonpolyposis colorectal neoplasms. Identifiers: MedGen C0009405, MeSH D003123.
Hereditary cancer-predisposing syndrome. Also called: Neoplastic Syndromes, Hereditary; Hereditary Cancer Syndrome; Tumor predisposition; Hereditary neoplastic syndrome. Identifiers: Orphanet 140162, MedGen C0027672, MeSH D009386, MONDO:0015356.
Lynch syndrome 4 (LYNCH4). Also called: Colorectal cancer, hereditary nonpolyposis, type 4; Hereditary non-polyposis colorectal cancer, type 4. Identifiers: Orphanet 144, MedGen C1838333, MONDO:0013699, OMIM 614337. Disease mechanism: loss of function.

Allele frequency attached by ClinVar (database versions not stated): gnomAD exomes below 0.00001 and 0.00001; TOPMed below 0.00001; gnomAD 0.00001.
gnomAD v4.1: 9 of 1,612,938 alleles (0.00056%); highest among the groups gnomAD compares: Middle Eastern, 0.049%; no homozygotes.

Submissions (6):

Labcorp Genetics (formerly Invitae), Labcorp
Classification: Likely benign for Hereditary nonpolyposis colorectal neoplasms. Last evaluated: 2025-02-15. Review status: criteria provided, single submitter. Criteria: Invitae Variant Classification Sherloc (09022015). Collection method: clinical testing. Allele origin: germline.

Myriad Genetics, Inc.
Classification: Benign for Lynch syndrome 4. Last evaluated: 2025-01-29. Review status: criteria provided, single submitter. Criteria: Myriad Autosomal Dominant, Autosomal Recessive and X-Linked Classification Criteria (2023). Collection method: clinical testing. Allele origin: unknown.
Comment: This variant is considered benign. This variant is a silent/synonymous amino acid change and it is not expected to impact splicing.

CeGaT Center for Human Genetics Tuebingen
Classification: Likely benign. Last evaluated: 2024-04-01. Review status: criteria provided, single submitter. Criteria: CeGaT Center For Human Genetics Tuebingen Variant Classification Criteria Version 2. Collection method: clinical testing. Allele origin: germline. Affected: yes. Observed: 1 variant allele.
Comment: PMS2: BP4

GeneDx
Classification: Uncertain significance. Last evaluated: 2022-07-21. Review status: criteria provided, single submitter. Criteria: GeneDx Variant Classification Process June 2021. Collection method: clinical testing. Allele origin: germline. Affected: yes.
Comment: Not observed at a significant frequency in large population cohorts (gnomAD); In silico analysis supports that this variant does not alter splicing; Has not been previously published as pathogenic or benign to our knowledge

Ambry Genetics
Classification: Likely benign for Hereditary cancer-predisposing syndrome. Last evaluated: 2017-10-18. Review status: criteria provided, single submitter. Criteria: Ambry Variant Classification Scheme 2023. Collection method: clinical testing. Allele origin: germline.

Color Diagnostics, LLC DBA Color Health
Classification: Likely benign for Hereditary cancer-predisposing syndrome. Last evaluated: 2017-05-19. Review status: criteria provided, single submitter. Criteria: ACMG Guidelines, 2015. Collection method: clinical testing. Allele origin: germline.